The following is an entry in ClinVar:

NM_001382347.1(MYO5A):c.274C>T (p.Arg92Cys)

Gene: MYO5A (myosin VA; minus strand). Cytogenetic location: 15q21.2.
Variant type: single nucleotide variant.
Coding change: c.274C>T on transcript NM_001382347.1 (MANE Select); coding-DNA position 274, C replaced by T.
Protein change: p.Arg92Cys; replaces arginine 92 with cysteine.
Molecular consequence: missense variant.
Genome position (GRCh38, 1-based): chr15:52,428,434, G>A on the plus strand (C>T on the coding strand, the complement: MYO5A is on the minus strand). VCF-style: chr15-52428434-G-A. GRCh37 (hg19) VCF-style: chr15-52720631-G-A.
Other names: c.346C>T, p.Arg116Cys (NM_001382349.1, NM_001382348.1); c.274C>T, p.Arg92Cys (NM_001411135.1, NM_000259.3, NM_001142495.2); short protein forms R116C, R92C.
Identifiers: ClinVar variation 5005433 (VCV005005433.2).

ClinVar aggregate classification (germline): Likely pathogenic (1 of 4 stars; one submission).

Conditions:
Griscelli syndrome type 1 (GS1). Also called: PARTIAL ALBINISM AND PRIMARY NEUROLOGIC DISEASE WITHOUT HEMOPHAGOCYTIC SYNDROME; GRISCELLI SYNDROME WITH NEUROLOGIC IMPAIRMENT; GRISCELLI SYNDROME, CUTANEOUS AND NEUROLOGIC TYPE. Identifiers: Orphanet 381, Orphanet 79476, MedGen C1859194, MONDO:0008962, OMIM 214450.

Submission:

Juno Genomics, Hangzhou Juno Genomics, Inc
Classification: Likely pathogenic for Griscelli syndrome type 1. Review status: criteria provided, single submitter. Criteria: ACMG Guidelines, 2015. Collection method: clinical testing. Allele origin: germline.
Comment: Absent from controls (or at extremely low frequency if recessive) in Genome Aggregation Database.;Multiple lines of computational evidence support a deleterious effect on the gene or gene product.;Missense variant in a gene that has a low rate of benign missense variation.